The following is an entry in ClinVar:

ClinVar aggregate classification (germline): Uncertain significance (1 of 4 stars; one submission).

Conditions:
Nemaline myopathy 2 (NEM2). Also called: Nemaline myopathy 2, autosomal recessive. Identifiers: MedGen C1850569, MONDO:0009725, OMIM 256030.

Submission:

Labcorp Genetics (formerly Invitae), Labcorp
Classification: Uncertain significance for Nemaline myopathy 2. Last evaluated: 2022-05-18. Review status: criteria provided, single submitter. Criteria: Invitae Variant Classification Sherloc (09022015). Collection method: clinical testing. Allele origin: germline.
Comment: This sequence change replaces valine, which is neutral and non-polar, with alanine, which is neutral and non-polar, at codon 4062 of the NEB protein (p.Val4062Ala). This variant is not present in population databases (gnomAD no frequency). This variant has not been reported in the literature in individuals affected with NEB-related conditions. Algorithms developed to predict the effect of missense changes on protein structure and function are either unavailable or do not agree on the potential impact of this missense change (SIFT: "Deleterious"; PolyPhen-2: "Not Available"; Align-GVGD: "Class C0"). In summary, the available evidence is currently insufficient to determine the role of this variant in disease. Therefore, it has been classified as a Variant of Uncertain Significance.

NM_001164508.2(NEB):c.12185T>C (p.Val4062Ala)

Gene: NEB (nebulin; minus strand). Cytogenetic location: 2q23.3.
Variant type: single nucleotide variant.
Coding change: c.12185T>C on transcript NM_001164508.2 (MANE Select); coding-DNA position 12185, T replaced by C.
Protein change: p.Val4062Ala; replaces valine 4062 with alanine.
Molecular consequence: missense variant.
Genome position (GRCh38, 1-based): chr2:151,609,954, A>G on the plus strand (T>C on the coding strand, the complement: NEB is on the minus strand). VCF-style: chr2-151609954-A-G. GRCh37 (hg19) VCF-style: chr2-152466468-A-G.
Other names: c.12185T>C, p.Val4062Ala (NM_001164507.2, NM_001271208.2); c.11456T>C, p.Val3819Ala (NM_004543.5); short protein forms V4062A, V3819A.
Identifiers: ClinVar variation 1996112 (VCV001996112.1), dbSNP rs2552227223, ClinGen allele CA348777281.